The following is an entry in ClinVar:

NM_000222.3(KIT):c.1079A>G (p.Glu360Gly)

Gene: KIT (KIT proto-oncogene, receptor tyrosine kinase; plus strand). Cytogenetic location: 4q12.
Variant type: single nucleotide variant.
Coding change: c.1079A>G on transcript NM_000222.3 (MANE Select); coding-DNA position 1079, A replaced by G.
Protein change: p.Glu360Gly; replaces glutamic acid 360 with glycine.
Molecular consequence: missense variant.
Genome position (GRCh38, 1-based): chr4:54,707,251, A>G. VCF-style: chr4-54707251-A-G. GRCh37 (hg19) VCF-style: chr4-55573417-A-G.
Other names: c.1079A>G, p.Glu360Gly (NM_001093772.2, NM_001385285.1, NM_001385286.1); c.1082A>G, p.Glu361Gly (NM_001385284.1, NM_001385288.1, NM_001385290.1 and 1 more transcripts); short protein forms E360G, E361G.
Identifiers: ClinVar variation 660608 (VCV000660608.9), dbSNP rs1577967381, ClinGen allele CA356901120.

ClinVar aggregate classification (germline): Uncertain significance (1 of 4 stars; one submission).

Conditions:
Gastrointestinal stromal tumor. Also called: Gastrointestinal stromal tumor, somatic; Gastrointestinal stroma tumor. Identifiers: Orphanet 44890, MedGen C0238198, MeSH D046152, MONDO:0011719, OMIM 606764, HP:0100723.

Submission:

Labcorp Genetics (formerly Invitae), Labcorp
Classification: Uncertain significance for Gastrointestinal stromal tumor. Last evaluated: 2024-04-06. Review status: criteria provided, single submitter. Criteria: Invitae Variant Classification Sherloc (09022015). Collection method: clinical testing. Allele origin: germline.
Comment: This sequence change replaces glutamic acid, which is acidic and polar, with glycine, which is neutral and non-polar, at codon 360 of the KIT protein (p.Glu360Gly). This variant is not present in population databases (gnomAD no frequency). This variant has not been reported in the literature in individuals affected with KIT-related conditions. ClinVar contains an entry for this variant (Variation ID: 660608). An algorithm developed to predict the effect of missense changes on protein structure and function (PolyPhen-2) suggests that this variant is likely to be tolerated. In summary, the available evidence is currently insufficient to determine the role of this variant in disease. Therefore, it has been classified as a Variant of Uncertain Significance.